The following is an entry in ClinVar:

NM_001166108.2(PALLD):c.1965-12729C>T

Gene: PALLD (palladin, cytoskeletal associated protein; plus strand). Cytogenetic location: 4q32.3.
Variant type: single nucleotide variant.
Coding change: c.1965-12729C>T on transcript NM_001166108.2 (MANE Select); 12729 bases into the intron before coding-DNA position 1965, C replaced by T.
Molecular consequence: intron variant. On other transcripts: missense variant (1).
Genome position (GRCh38, 1-based): chr4:168,878,193, C>T. VCF-style: chr4-168878193-C-T. GRCh37 (hg19) VCF-style: chr4-169799344-C-T.
Other names: c.302C>T, p.Ala101Val (NM_001166110.2); c.1965-12729C>T (NM_016081.4); c.819-12729C>T (NM_001166109.2); c.-157-12729C>T (NM_001367570.1, NM_001367568.1, NM_001367567.1 and 1 more transcripts); short protein forms A101V.
Identifiers: ClinVar variation 3885367 (VCV003885367.1).

ClinVar aggregate classification (germline): Uncertain significance (1 of 4 stars; one submission).

gnomAD v4.1: 2 of 1,512,020 alleles (0.00013%); no homozygotes.

Submission:

Ambry Genetics
Classification: Uncertain significance. Last evaluated: 2025-03-10. Review status: criteria provided, single submitter. Criteria: Ambry Variant Classification Scheme 2023. Collection method: clinical testing. Allele origin: germline.
Comment: The p.A101V variant (also known as c.302C>T), located in coding exon 1 of the PALLD gene, results from a C to T substitution at nucleotide position 302. The alanine at codon 101 is replaced by valine, an amino acid with similar properties. This amino acid position is conserved. In addition, this alteration is predicted to be tolerated by in silico analysis. Based on the available evidence, the clinical significance of this variant remains unclear.